The following is an entry in ClinVar:

NM_005732.4(RAD50):c.2940TAA[1] (p.Asn981del)

Gene: RAD50 (RAD50 double strand break repair protein; plus strand). Cytogenetic location: 5q31.1.
Variant type: Microsatellite.
Coding change: c.2940TAA[1] on transcript NM_005732.4 (MANE Select); one copy of the 3-base unit TAA starting at c.2940; the reference has two copies in a row; one copy, 3 bases deleted; also written c.2943_2945del.
Protein change: p.Asn981del; deletes asparagine 981.
Molecular consequence: inframe deletion.
Genome position (GRCh38, 1-based): chr5:132,609,303-132,609,305, TAA deleted; deleting any 3 consecutive bases within chr5:132,609,300-132,609,305 gives the same sequence; the position shown is the placement nearest the transcript's 3' end. VCF-style (leftmost placement, unchanged base first): chr5-132609299-TTAA-T. GRCh37 (hg19) VCF-style: chr5-131944991-TTAA-T.
Other names: c.2943_2945del (NM_005732.4, NM_005732.3); short protein forms N981del.
Identifiers: ClinVar variation 457424 (VCV000457424.16), dbSNP rs1554099390, ClinGen allele CA658657530.

ClinVar aggregate classification (germline): Uncertain significance. Review status: criteria provided, multiple submitters, no conflicts (2 of 4 stars). 4 submissions from 4 submitters: Uncertain significance (4). Last evaluated 2024-05-30.

Conditions:
Hereditary cancer-predisposing syndrome. Also called: Neoplastic Syndromes, Hereditary; Tumor predisposition; Hereditary Cancer Syndrome; Hereditary neoplastic syndrome. Identifiers: Orphanet 140162, MedGen C0027672, MeSH D009386, MONDO:0015356.
Nijmegen breakage syndrome-like disorder (NBSLD). Also called: MICROCEPHALY AND SPONTANEOUS CHROMOSOME INSTABILITY WITHOUT IMMUNODEFICIENCY; NBS-LIKE DISORDER; RAD50 DEFICIENCY. Identifiers: Orphanet 240760, MedGen C2751318, MONDO:0013118, OMIM 613078.

Submissions (4):

Fulgent Genetics
Classification: Uncertain significance for Nijmegen breakage syndrome-like disorder. Last evaluated: 2024-05-30. Review status: criteria provided, single submitter. Criteria: ACMG Guidelines, 2015. Collection method: clinical testing. Allele origin: germline.

Labcorp Genetics (formerly Invitae), Labcorp
Classification: Uncertain significance for Hereditary cancer-predisposing syndrome. Last evaluated: 2023-09-01. Review status: criteria provided, single submitter. Criteria: Invitae Variant Classification Sherloc (09022015). Collection method: clinical testing. Allele origin: germline.
Comment: This variant has not been reported in the literature in individuals affected with RAD50-related conditions. ClinVar contains an entry for this variant (Variation ID: 457424). Experimental studies and prediction algorithms are not available or were not evaluated, and the functional significance of this variant is currently unknown. In summary, the available evidence is currently insufficient to determine the role of this variant in disease. Therefore, it has been classified as a Variant of Uncertain Significance. This variant is not present in population databases (gnomAD no frequency). This variant, c.2943_2945del, results in the deletion of 1 amino acid(s) of the RAD50 protein (p.Asn981del), but otherwise preserves the integrity of the reading frame.

GeneDx
Classification: Uncertain significance. Last evaluated: 2022-03-03. Review status: criteria provided, single submitter. Criteria: GeneDx Variant Classification Process June 2021. Collection method: clinical testing. Allele origin: germline. Affected: yes.
Comment: In-frame deletion of 1 amino acid in a non-repeat region; In silico analysis supports a deleterious effect on protein structure/function; Has not been previously published as pathogenic or benign to our knowledge; Not observed at significant frequency in large population cohorts (gnomAD); Variants in candidate genes are classified as variants of uncertain significance in accordance with ACMG guidelines (Richards 2015)

Ambry Genetics
Classification: Uncertain significance for Hereditary cancer-predisposing syndrome. Last evaluated: 2019-05-22. Review status: criteria provided, single submitter. Criteria: Ambry Variant Classification Scheme 2023. Collection method: clinical testing. Allele origin: germline.
Comment: The c.2943_2945delTAA variant (also known as p.N981del) is located in coding exon 19 of the RAD50 gene. This variant results from an in-frame TAA deletion of at nucleotide positions 2943 to 2945, resulting in the deletion of an asparagine residue at codon 981. This amino acid position is not well conserved in available vertebrate species. Since supporting evidence is limited at this time, the clinical significance of this alteration remains unclear.